The following is an entry in ClinVar:

ClinVar aggregate classification (germline): Pathogenic (1 of 4 stars; one submission).

Conditions:
Progressive sclerosing poliodystrophy (MTDPS4A). Also called: ALPERS PROGRESSIVE INFANTILE POLIODYSTROPHY; NEURONAL DEGENERATION OF CHILDHOOD WITH LIVER DISEASE, PROGRESSIVE; Alpers Syndrome; ALPERS DIFFUSE DEGENERATION OF CEREBRAL GRAY MATTER WITH HEPATIC CIRRHOSIS; Alpers-Huttenlocher Syndrome; Mitochondrial DNA depletion syndrome 4A (Alpers type). Identifiers: Orphanet 726, MedGen C0205710, MONDO:0008758, OMIM 203700.

Submission:

Labcorp Genetics (formerly Invitae), Labcorp
Classification: Pathogenic for Progressive sclerosing poliodystrophy. Last evaluated: 2023-09-21. Review status: criteria provided, single submitter. Criteria: Invitae Variant Classification Sherloc (09022015). Collection method: clinical testing. Allele origin: germline.
Comment: This sequence change creates a premature translational stop signal (p.Arg478Valfs*18) in the POLG gene. It is expected to result in an absent or disrupted protein product. Loss-of-function variants in POLG are known to be pathogenic (PMID: 18546365). This variant is not present in population databases (gnomAD no frequency). This variant has not been reported in the literature in individuals affected with POLG-related conditions. Algorithms developed to predict the effect of sequence changes on RNA splicing suggest that this variant may disrupt the consensus splice site. For these reasons, this variant has been classified as Pathogenic.

Literature cited by the submitters: PubMed 18546365.

NM_002693.3(POLG):c.1432_1433del (p.Arg478fs)

Gene: POLG (DNA polymerase gamma, catalytic subunit; minus strand). Cytogenetic location: 15q26.1.
Variant type: Microsatellite.
Coding change: c.1432_1433del on transcript NM_002693.3 (MANE Select); coding-DNA positions 1432 to 1433, 2 bases deleted (AG; older notation c.1432_1433delAG).
Protein change: p.Arg478fs; shifts the reading frame from arginine 478.
Molecular consequence: frameshift variant.
Genome position (GRCh38, 1-based): chr15:89,327,167-89,327,168, CT deleted on the plus strand (AG on the coding strand, the reverse complement: POLG is on the minus strand); deleting any 2 consecutive bases within chr15:89,327,167-89,327,173 gives the same sequence; the c. name uses the placement nearest the transcript's 3' end. VCF-style (leftmost placement, unchanged base first): chr15-89327166-CCT-C. GRCh37 (hg19) VCF-style: chr15-89870397-CCT-C.
Other names: c.1432_1433del, p.Arg478fs (NM_001126131.2); short protein forms R478fs.
Identifiers: ClinVar variation 2762446 (VCV002762446.3), dbSNP rs2055533504, ClinGen allele CA2194557819.